The following is an entry in ClinVar:

NM_000038.6(APC):c.1661G>A (p.Arg554Gln)

Gene: APC (APC regulator of Wnt signaling pathway; plus strand). Cytogenetic location: 5q22.2.
Variant type: single nucleotide variant.
Coding change: c.1661G>A on transcript NM_000038.6 (MANE Select); coding-DNA position 1661, G replaced by A.
Protein change: p.Arg554Gln; replaces arginine 554 with glutamine.
Molecular consequence: missense variant.
Genome position (GRCh38, 1-based): chr5:112,828,890, G>A. VCF-style: chr5-112828890-G-A. GRCh37 (hg19) VCF-style: chr5-112164587-G-A.
Other names: c.1661G>A, p.Arg554Gln (NM_001127510.3, NM_001354895.2); c.1607G>A, p.Arg536Gln (NM_001127511.3); c.1715G>A, p.Arg572Gln (NM_001354896.2); c.1691G>A, p.Arg564Gln (NM_001354897.2); c.1586G>A, p.Arg529Gln (NM_001354898.2); c.1577G>A, p.Arg526Gln (NM_001354899.2); c.1538G>A, p.Arg513Gln (NM_001354900.2); c.1484G>A, p.Arg495Gln (NM_001354901.2); and 5 more; short protein forms R271Q, R394Q, R536Q, R554Q, R428Q, R463Q, R495Q, R513Q.
Identifiers: ClinVar variation 839348 (VCV000839348.16), dbSNP rs1371086615, ClinGen allele CA16024937.

ClinVar aggregate classification (germline): Uncertain significance. Review status: criteria provided, multiple submitters, no conflicts (2 of 4 stars). 4 submissions from 4 submitters: Uncertain significance (4). Last evaluated 2025-10-07.

Conditions:
Hereditary cancer-predisposing syndrome. Also called: Neoplastic Syndromes, Hereditary; Tumor predisposition; Hereditary neoplastic syndrome; Hereditary Cancer Syndrome. Identifiers: Orphanet 140162, MedGen C0027672, MeSH D009386, MONDO:0015356.
Familial adenomatous polyposis 1 (FAP1). Also called: FAMILIAL ADENOMATOUS POLYPOSIS 1, ATTENUATED; POLYPOSIS, ADENOMATOUS INTESTINAL. Identifiers: MedGen C2713442, MONDO:0021056, OMIM 175100. Disease mechanism: loss of function.

Allele frequency attached by ClinVar (database versions not stated): gnomAD exomes below 0.00001 and 0.00001; TOPMed below 0.00001; gnomAD 0.00001.
gnomAD v4.1: 10 of 1,613,668 alleles (0.00062%); highest among the groups gnomAD compares: East Asian, 0.0022%; no homozygotes.

Submissions (4):

Labcorp Genetics (formerly Invitae), Labcorp
Classification: Uncertain significance for Familial adenomatous polyposis 1. Last evaluated: 2025-10-07. Review status: criteria provided, single submitter. Criteria: Invitae Variant Classification Sherloc (09022015). Collection method: clinical testing. Allele origin: germline.
Comment: This sequence change replaces arginine, which is basic and polar, with glutamine, which is neutral and polar, at codon 554 of the APC protein (p.Arg554Gln). This variant is present in population databases (no rsID available, gnomAD 0.004%). This variant has not been reported in the literature in individuals affected with APC-related conditions. ClinVar contains an entry for this variant (Variation ID: 839348). Invitae Evidence Modeling of protein sequence and biophysical properties (such as structural, functional, and spatial information, amino acid conservation, physicochemical variation, residue mobility, and thermodynamic stability) indicates that this missense variant is not expected to disrupt APC protein function with a negative predictive value of 95%. In summary, the available evidence is currently insufficient to determine the role of this variant in disease. Therefore, it has been classified as a Variant of Uncertain Significance.

Color Diagnostics, LLC DBA Color Health
Classification: Uncertain significance for Hereditary cancer-predisposing syndrome. Last evaluated: 2024-11-18. Review status: criteria provided, single submitter. Criteria: ACMG Guidelines, 2015. Collection method: clinical testing. Allele origin: germline.
Comment: This missense variant replaces arginine with glutamine at codon 554 of the APC protein. Computational prediction suggests that this variant may not impact protein structure and function (internally defined REVEL score threshold <= 0.5, PMID: 27666373). To our knowledge, functional studies have not been reported for this variant. This variant has not been reported in individuals affected with APC-related disorders in the literature. This variant has been identified in 2/282650 chromosomes in the general population by the Genome Aggregation Database (gnomAD). The available evidence is insufficient to determine the role of this variant in disease conclusively. Therefore, this variant is classified as a Variant of Uncertain Significance.

Baylor Genetics
Classification: Uncertain significance for Familial adenomatous polyposis 1. Last evaluated: 2023-07-14. Review status: criteria provided, single submitter. Criteria: ACMG Guidelines, 2015. Collection method: clinical testing. Allele origin: unknown.

Ambry Genetics
Classification: Uncertain significance for Hereditary cancer-predisposing syndrome. Last evaluated: 2023-05-02. Review status: criteria provided, single submitter. Criteria: Ambry Variant Classification Scheme 2023. Collection method: clinical testing. Allele origin: germline.
Comment: The p.R554Q variant (also known as c.1661G>A), located in coding exon 13 of the APC gene, results from a G to A substitution at nucleotide position 1661. The arginine at codon 554 is replaced by glutamine, an amino acid with highly similar properties. This amino acid position is highly conserved in available vertebrate species. In addition, in silico predictors for this gene do not accurately predict pathogenicity. Since supporting evidence is limited at this time, the clinical significance of this alteration remains unclear.